The following is an entry in ClinVar:

ClinVar aggregate classification (germline): Benign/Likely benign. Review status: criteria provided, multiple submitters, no conflicts (2 of 4 stars). 7 submissions from 7 submitters: Benign (4); Likely benign (1). 2 of the submissions do not count toward it. Last evaluated 2026-08-01.

Conditions:
Supravalvar aortic stenosis (SVAS). Also called: Supravalvar aortic stenosis, Eisenberg type. Identifiers: Orphanet 3193, MedGen C0003499, MONDO:0008504, OMIM 185500, HP:0004381.

Allele frequency attached by ClinVar (database versions not stated): 1000 Genomes Project 0.00120; 1000 Genomes Project 30x 0.00156; TOPMed 0.00229; ESP Exome Variant Server 0.00284.
gnomAD v4.1: 5,222 of 1,614,074 alleles (0.32%); highest among the groups gnomAD compares: Admixed American, 0.67%; 12 homozygotes.

Submissions (7):

CeGaT Center for Human Genetics Tuebingen
Classification: Benign. Last evaluated: 2026-08-01. Review status: criteria provided, single submitter. Criteria: CeGaT Center For Human Genetics Tuebingen Variant Classification Criteria Version 2. Collection method: clinical testing. Allele origin: germline. Affected: yes. Observed: 13 variant alleles.
Comment: ELN: BS1, BS2

Labcorp Genetics (formerly Invitae), Labcorp
Classification: Benign for Supravalvar aortic stenosis. Last evaluated: 2026-02-01. Review status: criteria provided, single submitter. Criteria: Invitae Variant Classification Sherloc (09022015). Collection method: clinical testing. Allele origin: germline.

Molecular Diagnostic Laboratory for Inherited Cardiovascular Disease, Montreal Heart Institute
Classification: Benign. Last evaluated: 2025-07-24. Review status: criteria provided, single submitter. Criteria: ACMG Guidelines, 2015. Collection method: clinical testing. Allele origin: germline. Affected: no.

Blueprint Genetics
Classification: Benign. Last evaluated: 2024-11-20. Review status: criteria provided, single submitter. Criteria: ACMG Guidelines, 2015. Collection method: clinical testing. Allele origin: germline.

PreventionGenetics, part of Exact Sciences
Classification: Likely benign. Review status: criteria provided, single submitter. Criteria: ACMG Guidelines, 2015. Collection method: clinical testing. Allele origin: germline.

Clinical Genetics DNA and cytogenetics Diagnostics Lab, Erasmus MC, Erasmus Medical Center
Classification: Likely benign. Review status: no assertion criteria provided. Collection method: clinical testing. Allele origin: germline. Affected: yes. Study: VKGL Data-share Consensus. Not counted in ClinVar's aggregate classification.

Genome Diagnostics Laboratory, University Medical Center Utrecht
Classification: Benign. Review status: no assertion criteria provided. Collection method: clinical testing. Allele origin: germline. Affected: yes. Study: VKGL Data-share Consensus. Not counted in ClinVar's aggregate classification.

NM_000501.4(ELN):c.133+16C>A

Gene: ELN (elastin; plus strand). Cytogenetic location: 7q11.23.
Variant type: single nucleotide variant.
Coding change: c.133+16C>A on transcript NM_000501.4 (MANE Select); 16 bases into the intron after coding-DNA position 133, C replaced by A.
Molecular consequence: intron variant.
Genome position (GRCh38, 1-based): chr7:74,035,430, C>A. VCF-style: chr7-74035430-C-A. GRCh37 (hg19) VCF-style: chr7-73449760-C-A.
Other names: c.133+16C>A (NM_001081754.3, NM_001081753.3, NM_001278939.2 and 9 more transcripts).
Identifiers: ClinVar variation 213169 (VCV000213169.44), dbSNP rs144223231, ClinGen allele CA322100.
Genomic context (GRCh38, chr7:74,035,430, plus strand): 5'-CTGGGGCCATTCCTGGTGGAGTTCCTGGAGGAGTCTTTTATCCAGGTAACGTACATGAAA[C>A]TTCCACACACCCAGGTCATGCGGATGATGCTGATGTCCATAATAGATGCACATTTTGACA-3'